The following is an entry in ClinVar:

NM_206933.4(USH2A):c.13885G>A (p.Glu4629Lys)

Gene: USH2A (usherin; minus strand). Cytogenetic location: 1q41.
Variant type: single nucleotide variant.
Coding change: c.13885G>A on transcript NM_206933.4 (MANE Select); coding-DNA position 13885, G replaced by A.
Protein change: p.Glu4629Lys; replaces glutamic acid 4629 with lysine.
Molecular consequence: missense variant.
Genome position (GRCh38, 1-based): chr1:215,671,220, C>T on the plus strand (G>A on the coding strand, the complement: USH2A is on the minus strand). VCF-style: chr1-215671220-C-T. GRCh37 (hg19) VCF-style: chr1-215844562-C-T.
Other names: short protein forms E4629K.
Identifiers: ClinVar variation 989653 (VCV000989653.7), dbSNP rs906152033, ClinGen allele CA37410195.

ClinVar aggregate classification (germline): Conflicting classifications of pathogenicity. Review status: criteria provided, conflicting classifications (1 of 4 stars). 3 submissions from 3 submitters: Likely pathogenic (1); Uncertain significance (1). 1 of the submissions does not count toward it. Last evaluated 2022-07-11.

Conditions:
USH2A-related disorder. Also called: USH2A-related condition; USH2A-related disorders. Identifiers: MedGen CN239332.
Usher syndrome type 2A. Also called: USHER SYNDROME, TYPE IIA; RETINAL DISEASE IN USHER SYNDROME TYPE IIA, MODIFIER OF. Identifiers: Orphanet 231178, Orphanet 886, MedGen C1848634, MONDO:0010169, OMIM 276901.

Allele frequency attached by ClinVar (database versions not stated): gnomAD exomes below 0.00001; gnomAD 0.00001; TOPMed 0.00002.
gnomAD v4.1: 8 of 1,613,950 alleles (0.0005%); highest among the groups gnomAD compares: Admixed American, 0.0017%; no homozygotes.

Submissions (3):

Labcorp Genetics (formerly Invitae), Labcorp
Classification: Uncertain significance. Last evaluated: 2022-07-11. Review status: criteria provided, single submitter. Criteria: Invitae Variant Classification Sherloc (09022015). Collection method: clinical testing. Allele origin: germline.
Comment: This sequence change replaces glutamic acid, which is acidic and polar, with lysine, which is basic and polar, at codon 4629 of the USH2A protein (p.Glu4629Lys). This variant is present in population databases (no rsID available, gnomAD 0.0009%). This variant has not been reported in the literature in individuals affected with USH2A-related conditions. ClinVar contains an entry for this variant (Variation ID: 989653). Algorithms developed to predict the effect of missense changes on protein structure and function (SIFT, PolyPhen-2, Align-GVGD) all suggest that this variant is likely to be disruptive. In summary, the available evidence is currently insufficient to determine the role of this variant in disease. Therefore, it has been classified as a Variant of Uncertain Significance.

Blueprint Genetics
Classification: Likely pathogenic for USH2A-related disorders. Last evaluated: 2019-11-20. Review status: criteria provided, single submitter. Criteria: ACMG Guidelines, 2015. Collection method: clinical testing. Allele origin: germline. Affected: yes. Observed: 3 variant alleles.

Natera, Inc.
Classification: Uncertain significance for Usher syndrome type 2A. Last evaluated: 2020-08-14. Review status: no assertion criteria provided. Collection method: clinical testing. Allele origin: germline. Not counted in ClinVar's aggregate classification.